The following is an entry in ClinVar:

NM_001376.5(DYNC1H1):c.386A>C (p.Lys129Thr)

Gene: DYNC1H1 (dynein cytoplasmic 1 heavy chain 1; plus strand). Cytogenetic location: 14q32.31.
Variant type: single nucleotide variant.
Coding change: c.386A>C on transcript NM_001376.5 (MANE Select); coding-DNA position 386, A replaced by C.
Protein change: p.Lys129Thr; replaces lysine 129 with threonine.
Molecular consequence: missense variant.
Genome position (GRCh38, 1-based): chr14:101,979,360, A>C. VCF-style: chr14-101979360-A-C. GRCh37 (hg19) VCF-style: chr14-102445697-A-C.
Other names: short protein forms K129T.
Identifiers: ClinVar variation 2123679 (VCV002123679.4), dbSNP rs1555407885, ClinGen allele CA391007387.

ClinVar aggregate classification (germline): Uncertain significance (1 of 4 stars; one submission).

Conditions:
Charcot-Marie-Tooth disease axonal type 2O. Also called: CHARCOT-MARIE-TOOTH NEUROPATHY, AXONAL, TYPE 2O; CHARCOT-MARIE-TOOTH DISEASE, AXONAL, AUTOSOMAL DOMINANT, TYPE 2O; Charcot-Marie-Tooth Neuropathy Type 2O; Charcot-Marie-Tooth disease, axonal, type 20. Identifiers: Orphanet 284232, MedGen C3280220, MONDO:0013644, OMIM 614228.

Submission:

Labcorp Genetics (formerly Invitae), Labcorp
Classification: Uncertain significance for Charcot-Marie-Tooth disease axonal type 2O. Last evaluated: 2022-04-09. Review status: criteria provided, single submitter. Criteria: Invitae Variant Classification Sherloc (09022015). Collection method: clinical testing. Allele origin: germline.
Comment: Algorithms developed to predict the effect of missense changes on protein structure and function are either unavailable or do not agree on the potential impact of this missense change (SIFT: "Deleterious"; PolyPhen-2: "Benign"; Align-GVGD: "Class C0"). In summary, the available evidence is currently insufficient to determine the role of this variant in disease. Therefore, it has been classified as a Variant of Uncertain Significance. This variant disrupts the p.Lys129 amino acid residue in DYNC1H1. Other variant(s) that disrupt this residue have been determined to be pathogenic (PMID: 23603762, 28196890). This suggests that this residue is clinically significant, and that variants that disrupt this residue are likely to be disease-causing. This variant has not been reported in the literature in individuals affected with DYNC1H1-related conditions. This variant is not present in population databases (gnomAD no frequency). This sequence change replaces lysine, which is basic and polar, with threonine, which is neutral and polar, at codon 129 of the DYNC1H1 protein (p.Lys129Thr).

Literature cited by the submitters: PubMed 23603762; PubMed 28196890.